The following is an entry in ClinVar:

NM_002485.5(NBN):c.217A>G (p.Lys73Glu)

Gene: NBN (nibrin; minus strand). Cytogenetic location: 8q21.3.
Variant type: single nucleotide variant.
Coding change: c.217A>G on transcript NM_002485.5 (MANE Select); coding-DNA position 217, A replaced by G.
Protein change: p.Lys73Glu; replaces lysine 73 with glutamic acid.
Molecular consequence: missense variant. On other transcripts: 5 prime UTR variant (1).
Genome position (GRCh38, 1-based): chr8:89,981,478, T>C on the plus strand (A>G on the coding strand, the complement: NBN is on the minus strand). VCF-style: chr8-89981478-T-C. GRCh37 (hg19) VCF-style: chr8-90993706-T-C.
Other names: c.-30A>G (NM_001024688.3); short protein forms K73E.
Identifiers: ClinVar variation 2766822 (VCV002766822.4), dbSNP rs2129915767, ClinGen allele CA371662550.

ClinVar aggregate classification (germline): Uncertain significance. Review status: criteria provided, multiple submitters, no conflicts (2 of 4 stars). 2 submissions from 2 submitters: Uncertain significance (2). Last evaluated 2026-03-14.

Conditions:
Microcephaly, normal intelligence and immunodeficiency (NBS). Also called: IMMUNODEFICIENCY, MICROCEPHALY, AND CHROMOSOMAL INSTABILITY; SEEMANOVA SYNDROME II; Nijmegen breakage syndrome; Microcephaly with normal intelligence immunodeficiency and lymphoreticular malignancies; Nonsyndromal microcephaly autosomal recessive with normal intelligence; Seemanova syndrome 2. Identifiers: Orphanet 647, MedGen C0398791, MONDO:0009623, OMIM 251260.
Hereditary cancer-predisposing syndrome. Also called: Tumor predisposition; Hereditary Cancer Syndrome; Hereditary neoplastic syndrome; Neoplastic Syndromes, Hereditary. Identifiers: Orphanet 140162, MedGen C0027672, MeSH D009386, MONDO:0015356.

Submissions (2):

Ambry Genetics
Classification: Uncertain significance for Hereditary cancer-predisposing syndrome. Last evaluated: 2026-03-14. Review status: criteria provided, single submitter. Criteria: Ambry Variant Classification Scheme 2023. Collection method: clinical testing. Allele origin: germline.
Comment: The p.K73E variant (also known as c.217A>G), located in coding exon 3 of the NBN gene, results from an A to G substitution at nucleotide position 217. The lysine at codon 73 is replaced by glutamic acid, an amino acid with similar properties. This amino acid position is conserved. In addition, this alteration is predicted to be deleterious by in silico analysis. Based on the available evidence, the clinical significance of this variant remains unclear.

Labcorp Genetics (formerly Invitae), Labcorp
Classification: Uncertain significance for Microcephaly, normal intelligence and immunodeficiency. Last evaluated: 2023-10-08. Review status: criteria provided, single submitter. Criteria: Invitae Variant Classification Sherloc (09022015). Collection method: clinical testing. Allele origin: germline.
Comment: This sequence change replaces lysine, which is basic and polar, with glutamic acid, which is acidic and polar, at codon 73 of the NBN protein (p.Lys73Glu). This variant is not present in population databases (gnomAD no frequency). This variant has not been reported in the literature in individuals affected with NBN-related conditions. An algorithm developed to predict the effect of missense changes on protein structure and function (PolyPhen-2) suggests that this variant is likely to be disruptive. In summary, the available evidence is currently insufficient to determine the role of this variant in disease. Therefore, it has been classified as a Variant of Uncertain Significance.